The following is an entry in ClinVar:

NM_182961.4(SYNE1):c.10658T>C (p.Leu3553Pro)

Gene: SYNE1 (spectrin repeat containing nuclear envelope protein 1; minus strand). Cytogenetic location: 6q25.2.
Variant type: single nucleotide variant.
Coding change: c.10658T>C on transcript NM_182961.4 (MANE Select); coding-DNA position 10658, T replaced by C.
Protein change: p.Leu3553Pro; replaces leucine 3553 with proline.
Molecular consequence: missense variant.
Genome position (GRCh38, 1-based): chr6:152,354,927, A>G on the plus strand (T>C on the coding strand, the complement: SYNE1 is on the minus strand). VCF-style: chr6-152354927-A-G. GRCh37 (hg19) VCF-style: chr6-152676062-A-G.
Other names: c.10679T>C, p.Leu3560Pro (NM_033071.5); short protein forms L3553P, L3560P.
Identifiers: ClinVar variation 1038830 (VCV001038830.8), dbSNP rs774759366, ClinGen allele CA4056898.

ClinVar aggregate classification (germline): Uncertain significance (1 of 4 stars; one submission).

Conditions:
Emery-Dreifuss muscular dystrophy 4, autosomal dominant (EDMD4). Also called: EMERY-DREIFUSS MUSCULAR DYSTROPHY 4 WITH VARIABLE FEATURES. Identifiers: Orphanet 261, MedGen C2751807, MONDO:0013071, OMIM 612998.
Autosomal recessive ataxia, Beauce type. Also called: Spinocerebellar ataxia, autosomal recessive 8; ATAXIA, RECESSIVE, OF BEAUCE; SYNE1 Deficiency; SYNE1-Related Autosomal Recessive Cerebellar Ataxia. Identifiers: Orphanet 88644, MedGen C1853116, MONDO:0012549, OMIM 610743.

Allele frequency attached by ClinVar (database versions not stated): ExAC 0.00001; gnomAD exomes 0.00002 and 0.00004.
gnomAD v4.1: 32 of 1,614,160 alleles (0.002%); highest among the groups gnomAD compares: South Asian, 0.024%; no homozygotes.

Submission:

Labcorp Genetics (formerly Invitae), Labcorp
Classification: Uncertain significance for Emery-Dreifuss muscular dystrophy 4, autosomal dominant; Autosomal recessive ataxia, Beauce type. Last evaluated: 2020-06-21. Review status: criteria provided, single submitter. Criteria: Invitae Variant Classification Sherloc (09022015). Collection method: clinical testing. Allele origin: germline.
Comment: In summary, the available evidence is currently insufficient to determine the role of this variant in disease. Therefore, it has been classified as a Variant of Uncertain Significance. Algorithms developed to predict the effect of missense changes on protein structure and function (SIFT, PolyPhen-2, Align-GVGD) all suggest that this variant is likely to be disruptive, but these predictions have not been confirmed by published functional studies and their clinical significance is uncertain. This variant has not been reported in the literature in individuals with SYNE1-related conditions. This variant is present in population databases (rs774759366, ExAC no frequency). This sequence change replaces leucine with proline at codon 3560 of the SYNE1 protein (p.Leu3560Pro). The leucine residue is highly conserved and there is a moderate physicochemical difference between leucine and proline.